The following is an entry in ClinVar:

ClinVar aggregate classification (germline): Conflicting classifications of pathogenicity. Review status: criteria provided, conflicting classifications (1 of 4 stars). 9 submissions from 9 submitters: Uncertain significance (1); Benign (1); Likely benign (7). Last evaluated 2025-12-31.

Conditions:
Hereditary nonpolyposis colorectal neoplasms. Identifiers: MedGen C0009405, MeSH D003123.
Hereditary cancer-predisposing syndrome. Also called: Hereditary neoplastic syndrome; Neoplastic Syndromes, Hereditary; Tumor predisposition; Hereditary Cancer Syndrome. Identifiers: Orphanet 140162, MedGen C0027672, MeSH D009386, MONDO:0015356.
Lynch syndrome. Identifiers: Orphanet 144, MedGen C4552100, MONDO:0005835. Disease mechanism: loss of function.
Lynch syndrome 5 (LYNCH5). Also called: Hereditary non-polyposis colorectal cancer, type 5; Colorectal cancer, hereditary nonpolyposis, type 5. Identifiers: Orphanet 144, MedGen C1833477, MONDO:0013710, OMIM 614350. Disease mechanism: loss of function.

Allele frequency attached by ClinVar (database versions not stated): 1000 Genomes Project 30x 0.00031.
gnomAD v4.1: 16 of 1,427,396 alleles (0.0011%); highest among the groups gnomAD compares: African/African-American, 0.021%; no homozygotes.

Submissions (9):

Labcorp Genetics (formerly Invitae), Labcorp
Classification: Likely benign for Hereditary nonpolyposis colorectal neoplasms. Last evaluated: 2025-12-31. Review status: criteria provided, single submitter. Criteria: Invitae Variant Classification Sherloc (09022015). Collection method: clinical testing. Allele origin: germline.

Quest Diagnostics Nichols Institute San Juan Capistrano
Classification: Likely benign. Last evaluated: 2025-08-13. Review status: criteria provided, single submitter. Criteria: Quest Diagnostics criteria. Collection method: clinical testing. Allele origin: unknown.

Myriad Genetics, Inc.
Classification: Benign for Lynch syndrome 5. Last evaluated: 2024-12-17. Review status: criteria provided, single submitter. Criteria: Myriad Autosomal Dominant, Autosomal Recessive and X-Linked Classification Criteria (2023). Collection method: clinical testing. Allele origin: unknown.
Comment: This variant is considered benign. This variant is a silent/synonymous amino acid change and it is not expected to impact splicing.

All of Us Research Program, National Institutes of Health
Classification: Likely benign for Lynch syndrome. Last evaluated: 2023-11-20. Review status: criteria provided, single submitter. Criteria: ACMG Guidelines, 2015. Collection method: clinical testing. Allele origin: germline. Inheritance: Autosomal dominant inheritance. Observed: 1 variant allele, 1 heterozygote.
Comment: This study involves interpretation of variants in research participants for the purpose of population health screening. Participant phenotype was not available at the time of variant classification. Additional details can be found in publication PMID: 35346344, PMCID: PMC8962531

Women's Health and Genetics/Laboratory Corporation of America, LabCorp
Classification: Likely benign. Last evaluated: 2023-05-22. Review status: criteria provided, single submitter. Criteria: LabCorp Variant Classification Summary - May 2015. Collection method: clinical testing. Allele origin: germline.

Sema4
Classification: Uncertain significance for Hereditary cancer-predisposing syndrome. Last evaluated: 2021-04-07. Review status: criteria provided, single submitter. Criteria: Sema4 Curation Guidelines. Collection method: curation. Allele origin: germline.
Comment: The MSH6 c.255C>G (p.P85=) variant has not been reported in the literature to our knowledge. It was observed in 1/8668 chromosomes of the African/African American subpopulation in the large and broad cohorts of the Genome Aggregation Database (PMID: 32461654). The variant has been reported in ClinVar (Variation ID 184666). The evidence is insufficient to meet ACMG/AMP criteria for classifying the variant as benign or pathogenic. Thus, the clinical significance of this variant is currently uncertain.

GeneDx
Classification: Likely benign. Last evaluated: 2021-03-18. Review status: criteria provided, single submitter. Criteria: GeneDx Variant Classification Process June 2021. Collection method: clinical testing. Allele origin: germline. Affected: yes.

Ambry Genetics
Classification: Likely benign for Hereditary cancer-predisposing syndrome. Last evaluated: 2016-07-14. Review status: criteria provided, single submitter. Criteria: Ambry Variant Classification Scheme 2023. Collection method: clinical testing. Allele origin: germline.

Color Diagnostics, LLC DBA Color Health
Classification: Likely benign for Hereditary cancer-predisposing syndrome. Last evaluated: 2015-09-22. Review status: criteria provided, single submitter. Criteria: ACMG Guidelines, 2015. Collection method: clinical testing. Allele origin: germline.

NM_000179.3(MSH6):c.255C>G (p.Pro85=)

Genes: MSH6 (mutS homolog 6; plus strand), LOC129933707 (ATAC-STARR-seq lymphoblastoid silent region 11468; plus strand). Cytogenetic location: 2p16.3.
Variant type: single nucleotide variant.
Coding change: c.255C>G on transcript NM_000179.3 (MANE Select); coding-DNA position 255, C replaced by G.
Protein change: p.Pro85=; no amino-acid change (proline 85 retained).
Molecular consequence: synonymous variant. On other transcripts: 5 prime UTR variant (1), intron variant (1).
Genome position (GRCh38, 1-based): chr2:47,783,488, C>G. VCF-style: chr2-47783488-C-G. GRCh37 (hg19) VCF-style: chr2-48010627-C-G.
Other names: c.-482C>G (NM_001281493.2); c.237+18C>G (NM_001281492.2).
Identifiers: ClinVar variation 184666 (VCV000184666.25), dbSNP rs587779242, ClinGen allele CA010396.